The following is an entry in ClinVar:

ClinVar aggregate classification (germline): Uncertain significance (1 of 4 stars; one submission).

Conditions:
Brugada syndrome 8 (BRGDA8). Identifiers: Orphanet 130, MedGen C2751083, MONDO:0013148, OMIM 613123.

Submission:

Labcorp Genetics (formerly Invitae), Labcorp
Classification: Uncertain significance for Brugada syndrome 8. Last evaluated: 2024-05-06. Review status: criteria provided, single submitter. Criteria: Invitae Variant Classification Sherloc (09022015). Collection method: clinical testing. Allele origin: germline.
Comment: This sequence change replaces alanine, which is neutral and non-polar, with aspartic acid, which is acidic and polar, at codon 867 of the HCN4 protein (p.Ala867Asp). This variant is not present in population databases (gnomAD no frequency). This variant has not been reported in the literature in individuals affected with HCN4-related conditions. Advanced modeling of protein sequence and biophysical properties (such as structural, functional, and spatial information, amino acid conservation, physicochemical variation, residue mobility, and thermodynamic stability) performed at Invitae indicates that this missense variant is not expected to disrupt HCN4 protein function with a negative predictive value of 95%. In summary, the available evidence is currently insufficient to determine the role of this variant in disease. Therefore, it has been classified as a Variant of Uncertain Significance.

NM_005477.3(HCN4):c.2600C>A (p.Ala867Asp)

Gene: HCN4 (hyperpolarization activated cyclic nucleotide gated potassium channel 4; minus strand). Cytogenetic location: 15q24.1.
Variant type: single nucleotide variant.
Coding change: c.2600C>A on transcript NM_005477.3 (MANE Select); coding-DNA position 2600, C replaced by A.
Protein change: p.Ala867Asp; replaces alanine 867 with aspartic acid.
Molecular consequence: missense variant.
Genome position (GRCh38, 1-based): chr15:73,323,493, G>T on the plus strand (C>A on the coding strand, the complement: HCN4 is on the minus strand). VCF-style: chr15-73323493-G-T. GRCh37 (hg19) VCF-style: chr15-73615834-G-T.
Other names: short protein forms A867D.
Identifiers: ClinVar variation 2838681 (VCV002838681.3), dbSNP rs2549068821, ClinGen allele CA393088572.